The following is an entry in ClinVar:

ClinVar aggregate classification (germline): Uncertain significance. Review status: criteria provided, multiple submitters, no conflicts (2 of 4 stars). 2 submissions from 2 submitters: Uncertain significance (2). Last evaluated 2025-11-06.

Conditions:
Bartter disease type 1. Also called: HYPERPROSTAGLANDIN E SYNDROME 1; Bartter syndrome, type 1, antenatal; HYPOKALEMIC ALKALOSIS WITH HYPERCALCIURIA 1, ANTENATAL; Bartter Syndrome type 1. Identifiers: Orphanet 112, Orphanet 620217, MedGen C1866495, MONDO:0100344, OMIM 601678, MONDO:0011127.

Allele frequency attached by ClinVar (database versions not stated): gnomAD 0.00001; gnomAD exomes 0.00001 and 0.00004; TOPMed 0.00002.
gnomAD v4.1: 15 of 1,542,968 alleles (0.00097%); highest among the groups gnomAD compares: Admixed American, 0.012%; no homozygotes.

Submissions (2):

Labcorp Genetics (formerly Invitae), Labcorp
Classification: Uncertain significance. Last evaluated: 2025-11-06. Review status: criteria provided, single submitter. Criteria: Invitae Variant Classification Sherloc (09022015). Collection method: clinical testing. Allele origin: germline.
Comment: This sequence change replaces arginine, which is basic and polar, with cysteine, which is neutral and slightly polar, at codon 951 of the SLC12A1 protein (p.Arg951Cys). The frequency data for this variant in the population databases is considered unreliable, as metrics indicate poor data quality at this position in the gnomAD database. This variant has not been reported in the literature in individuals affected with SLC12A1-related conditions. ClinVar contains an entry for this variant (Variation ID: 1051412). Invitae Evidence Modeling of protein sequence and biophysical properties (such as structural, functional, and spatial information, amino acid conservation, physicochemical variation, residue mobility, and thermodynamic stability) has been performed for this missense variant. However, the output from this modeling did not meet the statistical confidence thresholds required to predict the impact of this variant on SLC12A1 protein function. In summary, the available evidence is currently insufficient to determine the role of this variant in disease. Therefore, it has been classified as a Variant of Uncertain Significance.

Fulgent Genetics
Classification: Uncertain significance for Bartter disease type 1. Last evaluated: 2024-01-29. Review status: criteria provided, single submitter. Criteria: ACMG Guidelines, 2015. Collection method: clinical testing. Allele origin: germline.

NM_000338.3(SLC12A1):c.2851C>T (p.Arg951Cys)

Gene: SLC12A1 (solute carrier family 12 member 1; plus strand). Cytogenetic location: 15q21.1.
Variant type: single nucleotide variant.
Coding change: c.2851C>T on transcript NM_000338.3 (MANE Select); coding-DNA position 2851, C replaced by T.
Protein change: p.Arg951Cys; replaces arginine 951 with cysteine.
Molecular consequence: missense variant.
Genome position (GRCh38, 1-based): chr15:48,288,494, C>T. VCF-style: chr15-48288494-C-T. GRCh37 (hg19) VCF-style: chr15-48580691-C-T.
Other names: c.2851C>T, p.Arg951Cys (NM_001184832.2, NM_001384136.1); short protein forms R951C.
Identifiers: ClinVar variation 1051412 (VCV001051412.8), dbSNP rs890280952, ClinGen allele CA269453684.